The following is an entry in ClinVar:

ClinVar aggregate classification (germline): Likely pathogenic (1 of 4 stars; one submission).

Submission:

Labcorp Genetics (formerly Invitae), Labcorp
Classification: Likely pathogenic. Last evaluated: 2022-10-05. Review status: criteria provided, single submitter. Criteria: Invitae Variant Classification Sherloc (09022015). Collection method: clinical testing. Allele origin: germline.
Comment: This variant is a gross deletion of the genomic region encompassing exon(s) 14-15 of the XPC gene. While this deletion is not anticipated to lead to nonsense mediated decay, it is expected to disrupt the C-terminus of the protein. A similar copy number variant has been observed in individuals with clinical features of xeroderma pigmentosum (PMID: 10766188, 26884178, 32843428; Invitae). In summary, the currently available evidence indicates that the variant is pathogenic, but additional data are needed to prove that conclusively. Therefore, this variant has been classified as Likely Pathogenic.

Literature cited by the submitters: PubMed 10766188; PubMed 26884178; PubMed 32843428.

NC_000003.11:g.(?_14188780)_(14189511_?)del

Gene: XPC (XPC complex subunit, DNA damage recognition and repair factor; minus strand). Cytogenetic location: 3p25.1.
Variant type: Deletion.
Identifiers: ClinVar variation 2425190 (VCV002425190.3).